The following is an entry in ClinVar:

ClinVar aggregate classification (germline): Uncertain significance. Review status: criteria provided, multiple submitters, no conflicts (2 of 4 stars). 3 submissions from 3 submitters: Uncertain significance (3). Last evaluated 2024-02-28.

Conditions:
Lynch syndrome. Identifiers: Orphanet 144, MedGen C4552100, MONDO:0005835. Disease mechanism: loss of function.
Lynch syndrome 4 (LYNCH4). Also called: Hereditary non-polyposis colorectal cancer, type 4; Colorectal cancer, hereditary nonpolyposis, type 4. Identifiers: Orphanet 144, MedGen C1838333, MONDO:0013699, OMIM 614337. Disease mechanism: loss of function.
Hereditary nonpolyposis colorectal neoplasms. Identifiers: MedGen C0009405, MeSH D003123.

Allele frequency attached by ClinVar (database versions not stated): TOPMed below 0.00001.

Submissions (3):

Baylor Genetics
Classification: Uncertain significance for Lynch syndrome 4. Last evaluated: 2024-02-28. Review status: criteria provided, single submitter. Criteria: ACMG Guidelines, 2015. Collection method: clinical testing. Allele origin: unknown.

Department of Pathology and Laboratory Medicine, Sinai Health System
Classification: Uncertain significance for Lynch syndrome. Last evaluated: 2022-09-29. Review status: criteria provided, single submitter. Criteria: ACMG Guidelines, 2015. Collection method: clinical testing. Allele origin: germline. Affected: yes.

Labcorp Genetics (formerly Invitae), Labcorp
Classification: Uncertain significance for Hereditary nonpolyposis colorectal neoplasms. Last evaluated: 2022-08-31. Review status: criteria provided, single submitter. Criteria: Invitae Variant Classification Sherloc (09022015). Collection method: clinical testing. Allele origin: germline.
Comment: This sequence change falls in intron 8 of the PMS2 gene. It does not directly change the encoded amino acid sequence of the PMS2 protein. It affects a nucleotide within the consensus splice site. This variant has not been reported in the literature in individuals affected with PMS2-related conditions. This variant is not present in population databases (gnomAD no frequency). ClinVar contains an entry for this variant (Variation ID: 568633). In summary, the available evidence is currently insufficient to determine the role of this variant in disease. Therefore, it has been classified as a Variant of Uncertain Significance. Variants that disrupt the consensus splice site are a relatively common cause of aberrant splicing (PMID: 17576681, 9536098). Algorithms developed to predict the effect of sequence changes on RNA splicing suggest that this variant may disrupt the consensus splice site.

Literature cited by the submitters: PubMed 17576681 (cited by Labcorp Genetics (formerly Invitae), Labcorp); PubMed 9536098 (cited by Labcorp Genetics (formerly Invitae), Labcorp).

NM_000535.7(PMS2):c.903+3A>G

Gene: PMS2 (PMS1 homolog 2, mismatch repair system component; minus strand). Cytogenetic location: 7p22.1.
Variant type: single nucleotide variant.
Coding change: c.903+3A>G on transcript NM_000535.7 (MANE Select); 3 bases into the intron after coding-DNA position 903, A replaced by G.
Molecular consequence: intron variant.
Genome position (GRCh38, 1-based): chr7:5,995,531, T>C on the plus strand (A>G on the coding strand, the complement: PMS2 is on the minus strand). VCF-style: chr7-5995531-T-C. GRCh37 (hg19) VCF-style: chr7-6035162-T-C.
Other names: c.585+3A>G (NM_001322008.2, NM_001322007.2); c.498+3A>G (NM_001322010.2, NM_001322004.2, NM_001322003.2 and 2 more transcripts); c.330+3A>G (NM_001322013.2); c.-31+3A>G (NM_001322012.2, NM_001322011.2); c.594+3A>G (NM_001322015.2); c.903+3A>G (NM_001322006.2, NM_001322014.2).
Identifiers: ClinVar variation 568633 (VCV000568633.7), dbSNP rs1562663258, ClinGen allele CA891843333.